The following is an entry in ClinVar:

NM_000443.4(ABCB4):c.883A>G (p.Ile295Val)

Gene: ABCB4 (ATP binding cassette subfamily B member 4; minus strand). Cytogenetic location: 7q21.12.
Variant type: single nucleotide variant.
Coding change: c.883A>G on transcript NM_000443.4 (MANE Select); coding-DNA position 883, A replaced by G.
Protein change: p.Ile295Val; replaces isoleucine 295 with valine.
Molecular consequence: missense variant.
Genome position (GRCh38, 1-based): chr7:87,447,156, T>C on the plus strand (A>G on the coding strand, the complement: ABCB4 is on the minus strand). VCF-style: chr7-87447156-T-C. GRCh37 (hg19) VCF-style: chr7-87076472-T-C.
Other names: c.883A>G, p.Ile295Val (NM_018849.3, NM_018850.3); short protein forms I295V.
Identifiers: ClinVar variation 4989393 (VCV004989393.1).

ClinVar aggregate classification (germline): Uncertain significance (1 of 4 stars; one submission).

Conditions:
ABCB4-related disorder. Also called: ABCB4-related disorders; ABCB4-related condition.

gnomAD v4.1: 1 of 1,613,908 alleles (0.000062%); highest among the groups gnomAD compares: Admixed American, 0.0017%; no homozygotes.

Submission:

PreventionGenetics, part of Exact Sciences
Classification: Uncertain significance for ABCB4-related condition. Last evaluated: 2026-08-28. Review status: criteria provided, single submitter. Criteria: ACMG Guidelines, 2015. Collection method: clinical testing. Allele origin: germline.
Comment: The ABCB4 c.883A>G variant is predicted to result in the amino acid substitution p.Ile295Val. To our knowledge, this variant has not been reported in the literature or in a large population database (gnomAD), indicating this variant is rare. At this time, the clinical significance of this variant is uncertain due to the absence of conclusive functional and genetic evidence.